The following is an entry in ClinVar:

NM_000287.4(PEX6):c.1047-3C>T

Gene: PEX6 (peroxisomal biogenesis factor 6; minus strand). Cytogenetic location: 6p21.1.
Variant type: single nucleotide variant.
Coding change: c.1047-3C>T on transcript NM_000287.4 (MANE Select); 3 bases into the intron before coding-DNA position 1047, C replaced by T.
Molecular consequence: intron variant.
Genome position (GRCh38, 1-based): chr6:42,974,089, G>A on the plus strand (C>T on the coding strand, the complement: PEX6 is on the minus strand). VCF-style: chr6-42974089-G-A. GRCh37 (hg19) VCF-style: chr6-42941827-G-A.
Other names: c.783-3C>T (NM_001316313.2).
Identifiers: ClinVar variation 1518032 (VCV001518032.6), dbSNP rs2150235001, ClinGen allele CA2573140778.

ClinVar aggregate classification (germline): Uncertain significance (1 of 4 stars; one submission).

Conditions:
Peroxisome biogenesis disorder. Identifiers: Orphanet 79189, MedGen C1832200, MONDO:0019234. Disease mechanism: loss of function.

Submission:

Labcorp Genetics (formerly Invitae), Labcorp
Classification: Uncertain significance for Peroxisome biogenesis disorder. Last evaluated: 2021-03-21. Review status: criteria provided, single submitter. Criteria: Invitae Variant Classification Sherloc (09022015). Collection method: clinical testing. Allele origin: germline.
Comment: In summary, the available evidence is currently insufficient to determine the role of this variant in disease. Therefore, it has been classified as a Variant of Uncertain Significance. Nucleotide substitutions within the consensus splice site are a relatively common cause of aberrant splicing (PMID: 17576681, 9536098). Algorithms developed to predict the effect of sequence changes on RNA splicing suggest that this variant is not likely to affect RNA splicing, but this prediction has not been confirmed by published transcriptional studies. This variant has not been reported in the literature in individuals with PEX6-related conditions. This variant is not present in population databases (ExAC no frequency). This sequence change falls in intron 2 of the PEX6 gene. It does not directly change the encoded amino acid sequence of the PEX6 protein. It affects a nucleotide within the consensus splice site of the intron.

Literature cited by the submitters: PubMed 17576681; PubMed 9536098.